The following is an entry in ClinVar:

ClinVar aggregate classification (germline): Benign (1 of 4 stars; one submission).

Submission:

GeneDx
Classification: Benign. Last evaluated: 2018-06-14. Review status: criteria provided, single submitter. Criteria: GeneDx Variant Classification (06012015). Collection method: clinical testing. Allele origin: germline. Affected: yes.
Comment: This variant is considered likely benign or benign based on one or more of the following criteria: it is a conservative change, it occurs at a poorly conserved position in the protein, it is predicted to be benign by multiple in silico algorithms, and/or has population frequency not consistent with disease.

NM_004415.4(DSP):c.2985+274GA[2]

Gene: DSP (desmoplakin; plus strand). Cytogenetic location: 6p24.3.
Variant type: Microsatellite.
Coding change: c.2985+274GA[2] on transcript NM_004415.4 (MANE Select); two copies in a row of the 2-base unit GA starting at c.2985+274; the reference has four copies in a row; two copies, 4 bases deleted.
Molecular consequence: intron variant.
Genome position (GRCh38, 1-based): chr6:7,578,164-7,578,167, GAGA deleted; deleting any 4 consecutive bases within chr6:7,578,160-7,578,167 gives the same sequence; the position shown is the placement nearest the transcript's 3' end. VCF-style (leftmost placement, unchanged base first): chr6-7578159-TGAGA-T. GRCh37 (hg19) VCF-style: chr6-7578392-TGAGA-T.
Other names: c.2985+274GA[2] (NM_001319034.2, NM_001008844.3).
Identifiers: ClinVar variation 672940 (VCV000672940.1), dbSNP rs57007348, ClinGen allele CA133965657.
Genomic context (GRCh38, chr6:7,578,159, plus strand): 5'-TGATCAGGAATGTGTTATTTAGAGTCTTTGTAGAAATTGGGCTTAAATTTCTGGGTTTGA[TGAGA>T]GAGACTTCTAAAAAGTGGAAAATACAGAAATTTCTAAAAGACAGCCTCTTCTCAAAGATG-3'